The following is an entry in ClinVar:

ClinVar aggregate classification (germline): Uncertain significance. Review status: criteria provided, multiple submitters, no conflicts (2 of 4 stars). 2 submissions from 2 submitters: Uncertain significance (2). Last evaluated 2021-11-23.

Allele frequency attached by ClinVar (database versions not stated): gnomAD exomes 0.00001; gnomAD 0.00003.
gnomAD v4.1: 33 of 1,544,020 alleles (0.0021%); highest among the groups gnomAD compares: Non-Finnish European, 0.0028%; no homozygotes.

Submissions (2):

Labcorp Genetics (formerly Invitae), Labcorp
Classification: Uncertain significance. Last evaluated: 2021-11-23. Review status: criteria provided, single submitter. Criteria: Invitae Variant Classification Sherloc (09022015). Collection method: clinical testing. Allele origin: germline.
Comment: This sequence change replaces proline, which is neutral and non-polar, with serine, which is neutral and polar, at codon 2051 of the EYS protein (p.Pro2051Ser). This variant is present in population databases (no rsID available, gnomAD 0.004%). This variant has not been reported in the literature in individuals affected with EYS-related conditions. Algorithms developed to predict the effect of missense changes on protein structure and function are either unavailable or do not agree on the potential impact of this missense change (SIFT: "Tolerated"; PolyPhen-2: "Possibly Damaging"; Align-GVGD: "Class C0"). In summary, the available evidence is currently insufficient to determine the role of this variant in disease. Therefore, it has been classified as a Variant of Uncertain Significance.

Blueprint Genetics
Classification: Uncertain significance. Last evaluated: 2021-04-15. Review status: criteria provided, single submitter. Criteria: ACMG Guidelines, 2015. Collection method: clinical testing. Allele origin: germline.

NM_001142800.2(EYS):c.6151C>T (p.Pro2051Ser)

Gene: EYS (EGF-like photoreceptor maintenance factor; minus strand). Cytogenetic location: 6q12.
Variant type: single nucleotide variant.
Coding change: c.6151C>T on transcript NM_001142800.2 (MANE Select); coding-DNA position 6151, C replaced by T.
Protein change: p.Pro2051Ser; replaces proline 2051 with serine.
Molecular consequence: missense variant.
Genome position (GRCh38, 1-based): chr6:64,307,010, G>A on the plus strand (C>T on the coding strand, the complement: EYS is on the minus strand). VCF-style: chr6-64307010-G-A. GRCh37 (hg19) VCF-style: chr6-65016903-G-A.
Other names: c.6151C>T, p.Pro2051Ser (NM_001292009.2); short protein forms P2051S.
Identifiers: ClinVar variation 1416749 (VCV001416749.4), dbSNP rs1187973861, ClinGen allele CA364391752.
Genomic context (GRCh38, chr6:64,307,010, plus strand): 5'-AATCACTACTGCTATTTTACCTGCAATTGTTAATGTGATAGTTTTTCACTGCCTTGGATG[G>A]AATGAAAGATCTCCAGTTATTTATTTCTATAACTTCTATGCAGCCAGTAAAATTCTTGAC-3'
Protein context (NP_001136272.1, residues 2041-2061): IEINNWRSFI[Pro2051Ser]SKAVKNYHIN